The following is an entry in ClinVar:

ClinVar aggregate classification (germline): Uncertain significance (1 of 4 stars; one submission).

gnomAD v4.1: 26 of 1,614,210 alleles (0.0016%); highest among the groups gnomAD compares: South Asian, 0.022%; 1 homozygote.

Submission:

Labcorp Genetics (formerly Invitae), Labcorp
Classification: Uncertain significance. Last evaluated: 2025-02-27. Review status: criteria provided, single submitter. Criteria: Invitae Variant Classification Sherloc (09022015). Collection method: clinical testing. Allele origin: germline.
Comment: This sequence change falls in intron 31 of the DUOX2 gene. It does not directly change the encoded amino acid sequence of the DUOX2 protein. It affects a nucleotide within the consensus splice site. This variant is present in population databases (rs377517657, gnomAD 0.03%). This variant has not been reported in the literature in individuals affected with DUOX2-related conditions. ClinVar contains an entry for this variant (Variation ID: 1421595). Variants that disrupt the consensus splice site are a relatively common cause of aberrant splicing (PMID: 17576681, 9536098). Algorithms developed to predict the effect of sequence changes on RNA splicing suggest that this variant is not likely to affect RNA splicing. In summary, the available evidence is currently insufficient to determine the role of this variant in disease. Therefore, it has been classified as a Variant of Uncertain Significance.

Literature cited by the submitters: PubMed 17576681; PubMed 9536098.

NM_001363711.2(DUOX2):c.4239+3G>A

Gene: DUOX2 (dual oxidase 2; minus strand). Cytogenetic location: 15q21.1.
Variant type: single nucleotide variant.
Coding change: c.4239+3G>A on transcript NM_001363711.2 (MANE Select); 3 bases into the intron after coding-DNA position 4239, G replaced by A.
Molecular consequence: intron variant.
Genome position (GRCh38, 1-based): chr15:45,095,434, C>T on the plus strand (G>A on the coding strand, the complement: DUOX2 is on the minus strand). VCF-style: chr15-45095434-C-T. GRCh37 (hg19) VCF-style: chr15-45387632-C-T.
Other names: c.4239+3G>A (NM_014080.5).
Identifiers: ClinVar variation 1421595 (VCV001421595.4), dbSNP rs377517657, ClinGen allele CA7537597.